The following is an entry in ClinVar:

ClinVar aggregate classification (germline): Uncertain significance (1 of 4 stars; one submission).

Submission:

CeGaT Center for Human Genetics Tuebingen
Classification: Uncertain significance. Last evaluated: 2023-11-01. Review status: criteria provided, single submitter. Criteria: CeGaT Center For Human Genetics Tuebingen Variant Classification Criteria Version 2. Collection method: clinical testing. Allele origin: germline. Affected: yes. Observed: 1 variant allele.
Comment: KDM6B: PM2, PP3

NM_001348716.2(KDM6B):c.3554C>T (p.Thr1185Ile)

Gene: KDM6B (lysine demethylase 6B; plus strand). Cytogenetic location: 17p13.1.
Variant type: single nucleotide variant.
Coding change: c.3554C>T on transcript NM_001348716.2 (MANE Select); coding-DNA position 3554, C replaced by T.
Protein change: p.Thr1185Ile; replaces threonine 1185 with isoleucine.
Molecular consequence: missense variant.
Genome position (GRCh38, 1-based): chr17:7,849,934, C>T. VCF-style: chr17-7849934-C-T. GRCh37 (hg19) VCF-style: chr17-7753252-C-T.
Other names: c.3554C>T, p.Thr1185Ile (NM_001080424.2); short protein forms T1185I.
Identifiers: ClinVar variation 2672684 (VCV002672684.23), dbSNP rs2544529954, ClinGen allele CA397924133.
Genomic context (GRCh38, chr17:7,849,934, plus strand): 5'-CTGTGAAACCGAAGATCAACACTGAGGAGAAGCTGCCCCGGGAAAAACTCAACCCCCCTA[C>T]ACCCAGCATCTATGTATGTGTGCCACTTGGCCTCAGAACCACCCCTGCCAGAGGGTTCTA-3'
Protein context (NP_001335645.1, residues 1175-1195): KLPREKLNPP[Thr1185Ile]PSIYLESKRD